The following is an entry in ClinVar:

ClinVar aggregate classification (germline): Uncertain significance. Review status: criteria provided, multiple submitters, no conflicts (2 of 4 stars). 2 submissions from 2 submitters: Uncertain significance (2). Last evaluated 2025-04-15.

Conditions:
Developmental and epileptic encephalopathy, 11 (DEE11). Also called: Early infantile epileptic encephalopathy 11. Identifiers: Orphanet 1934, MedGen C3150987, MONDO:0013388, OMIM 613721.
Seizures, benign familial infantile, 3 (BFIS3). Also called: CONVULSIONS, BENIGN FAMILIAL INFANTILE, 3; Familial neonatal seizures. Identifiers: Orphanet 140927, Orphanet 306, MedGen C1843140, MONDO:0011904, OMIM 607745.

Allele frequency attached by ClinVar (database versions not stated): gnomAD exomes below 0.00001.
gnomAD v4.1: 4 of 1,613,246 alleles (0.00025%); highest among the groups gnomAD compares: Non-Finnish European, 0.00034%; no homozygotes.

Submissions (2):

Mayo Clinic Laboratories, Mayo Clinic
Classification: Uncertain significance. Last evaluated: 2025-04-15. Review status: criteria provided, single submitter. Criteria: ACMG Guidelines, 2015. Collection method: clinical testing. Allele origin: germline. Observed: 1 variant allele.

Labcorp Genetics (formerly Invitae), Labcorp
Classification: Uncertain significance for Seizures, benign familial infantile, 3; Developmental and epileptic encephalopathy, 11. Last evaluated: 2024-01-29. Review status: criteria provided, single submitter. Criteria: Invitae Variant Classification Sherloc (09022015). Collection method: clinical testing. Allele origin: germline.
Comment: This sequence change replaces asparagine, which is neutral and polar, with lysine, which is basic and polar, at codon 1136 of the SCN2A protein (p.Asn1136Lys). This variant is not present in population databases (gnomAD no frequency). This variant has not been reported in the literature in individuals affected with SCN2A-related conditions. ClinVar contains an entry for this variant (Variation ID: 1009398). Advanced modeling of protein sequence and biophysical properties (such as structural, functional, and spatial information, amino acid conservation, physicochemical variation, residue mobility, and thermodynamic stability) performed at Invitae indicates that this missense variant is not expected to disrupt SCN2A protein function with a negative predictive value of 95%. In summary, the available evidence is currently insufficient to determine the role of this variant in disease. Therefore, it has been classified as a Variant of Uncertain Significance.

NM_001040142.2(SCN2A):c.3408T>G (p.Asn1136Lys)

Gene: SCN2A (sodium voltage-gated channel alpha subunit 2; plus strand). Cytogenetic location: 2q24.3.
Variant type: single nucleotide variant.
Coding change: c.3408T>G on transcript NM_001040142.2 (MANE Select); coding-DNA position 3408, T replaced by G.
Protein change: p.Asn1136Lys; replaces asparagine 1136 with lysine.
Molecular consequence: missense variant.
Genome position (GRCh38, 1-based): chr2:165,365,151, T>G. VCF-style: chr2-165365151-T-G. GRCh37 (hg19) VCF-style: chr2-166221661-T-G.
Other names: p.Asn1136Lys; c.3408T>G, p.Asn1136Lys (NM_001040143.2, NM_001371246.1, NM_001371247.1 and 1 more transcripts); short protein forms N1136K.
Identifiers: ClinVar variation 1009398 (VCV001009398.10), dbSNP rs890803233, ClinGen allele CA59730714.